The following is an entry in ClinVar:

ClinVar aggregate classification (germline): Uncertain significance. Review status: criteria provided, multiple submitters, no conflicts (2 of 4 stars). 2 submissions from 2 submitters: Uncertain significance (2). Last evaluated 2025-06-23.

Conditions:
Cardiomyopathy (CMYO). Also called: Cardiomyopathies. Identifiers: Orphanet 167848, MedGen C0878544, MONDO:0004994, HP:0001638. Inheritance: Various modes of inheritance.
Hypertrophic cardiomyopathy. Also called: HYPERTROPHIC MYOCARDIOPATHY. Identifiers: Orphanet 217569, MedGen C0007194, MeSH D002312, MONDO:0005045, HP:0001639.

Submissions (2):

Color Diagnostics, LLC DBA Color Health
Classification: Uncertain significance for Cardiomyopathy. Last evaluated: 2025-06-23. Review status: criteria provided, single submitter. Criteria: ACMG Guidelines, 2015. Collection method: clinical testing. Allele origin: germline.
Comment: This missense variant replaces alanine with valine at codon 116 of the TNNI3 protein. Computational prediction suggests that this variant may not impact protein structure and function. To our knowledge, functional studies have not been reported for this variant. This variant has not been reported in individuals affected with TNNI3-related disorders in the literature. This variant has not been identified in the general population by the Genome Aggregation Database (gnomAD). The available evidence is insufficient to determine the role of this variant in disease conclusively. Therefore, this variant is classified as a Variant of Uncertain Significance.

Labcorp Genetics (formerly Invitae), Labcorp
Classification: Uncertain significance for Hypertrophic cardiomyopathy. Last evaluated: 2023-10-16. Review status: criteria provided, single submitter. Criteria: Invitae Variant Classification Sherloc (09022015). Collection method: clinical testing. Allele origin: germline.
Comment: This sequence change replaces alanine, which is neutral and non-polar, with valine, which is neutral and non-polar, at codon 116 of the TNNI3 protein (p.Ala116Val). This variant is not present in population databases (gnomAD no frequency). This variant has not been reported in the literature in individuals affected with TNNI3-related conditions. ClinVar contains an entry for this variant (Variation ID: 934474). Algorithms developed to predict the effect of missense changes on protein structure and function output the following: SIFT: "Not Available"; PolyPhen-2: "Benign"; Align-GVGD: "Not Available". The valine amino acid residue is found in multiple mammalian species, which suggests that this missense change does not adversely affect protein function. Algorithms developed to predict the effect of sequence changes on RNA splicing suggest that this variant may disrupt the consensus splice site. In summary, the available evidence is currently insufficient to determine the role of this variant in disease. Therefore, it has been classified as a Variant of Uncertain Significance.

NM_000363.5(TNNI3):c.347C>T (p.Ala116Val)

Gene: TNNI3 (troponin I3, cardiac type; minus strand). Cytogenetic location: 19q13.42.
Variant type: single nucleotide variant.
Coding change: c.347C>T on transcript NM_000363.5 (MANE Select); coding-DNA position 347, C replaced by T.
Protein change: p.Ala116Val; replaces alanine 116 with valine.
Molecular consequence: missense variant.
Genome position (GRCh38, 1-based): chr19:55,154,766, G>A on the plus strand (C>T on the coding strand, the complement: TNNI3 is on the minus strand). VCF-style: chr19-55154766-G-A. GRCh37 (hg19) VCF-style: chr19-55666134-G-A.
Other names: short protein forms A116V.
Identifiers: ClinVar variation 934474 (VCV000934474.7), dbSNP rs777177571, ClinGen allele CA407440986.